The following is an entry in ClinVar:

ClinVar aggregate classification (germline): Likely benign. Review status: criteria provided, single submitter (1 of 4 stars). 2 submissions from 2 submitters: Likely benign (1). 1 of the submissions does not count toward it. Last evaluated 2024-03-20.

Conditions:
FRAS1-related disorder. Also called: FRAS1-related condition.

Allele frequency attached by ClinVar (database versions not stated): ExAC 0.00002; TOPMed 0.00004; gnomAD 0.00005; ESP Exome Variant Server 0.00008.
gnomAD v4.1: 126 of 1,612,912 alleles (0.0078%); highest among the groups gnomAD compares: Non-Finnish European, 0.01%; no homozygotes.

Submissions (2):

Labcorp Genetics (formerly Invitae), Labcorp
Classification: Likely benign. Last evaluated: 2024-03-20. Review status: criteria provided, single submitter. Criteria: Invitae Variant Classification Sherloc (09022015). Collection method: clinical testing. Allele origin: germline.

PreventionGenetics, part of Exact Sciences
Classification: Likely benign for FRAS1-related condition. Last evaluated: 2019-06-07. Review status: no assertion criteria provided. Collection method: clinical testing. Allele origin: germline. Not counted in ClinVar's aggregate classification.
Comment: This variant is classified as likely benign based on ACMG/AMP sequence variant interpretation guidelines (Richards et al. 2015 PMID: 25741868, with internal and published modifications).

NM_025074.7(FRAS1):c.6051G>A (p.Glu2017=)

Gene: FRAS1 (Fraser extracellular matrix complex subunit 1; plus strand). Cytogenetic location: 4q21.21.
Variant type: single nucleotide variant.
Coding change: c.6051G>A on transcript NM_025074.7 (MANE Select); coding-DNA position 6051, G replaced by A.
Protein change: p.Glu2017=; no amino-acid change (glutamic acid 2017 retained).
Molecular consequence: synonymous variant.
Genome position (GRCh38, 1-based): chr4:78,448,093, G>A. VCF-style: chr4-78448093-G-A. GRCh37 (hg19) VCF-style: chr4-79369247-G-A.
Other names: c.6051G>A (NM_025074.6).
Identifiers: ClinVar variation 2997018 (VCV002997018.5), dbSNP rs375900845, ClinGen allele CA2977691.
Genomic context (GRCh38, chr4:78,448,093, plus strand): 5'-TTCTTTACCTCTTCCCTCAGGTCATGTACTCTGGAGGCAAACTGCTTCTGAGCCTCTGGA[G>A]AATGGGAGAGTTTTAGTCCAGGGCTCAACCTTCACCTACCAGGATATCCTAGCTGGGCTG-3'
Protein context (NP_079350.5, residues 2007-2027): LWRQTASEPL[Glu2017=]NGRVLVQGST